The following is an entry in ClinVar:

NM_001206927.2(DNAH8):c.1402G>A (p.Asp468Asn)

Gene: DNAH8 (dynein axonemal heavy chain 8; plus strand). Cytogenetic location: 6p21.2.
Variant type: single nucleotide variant.
Coding change: c.1402G>A on transcript NM_001206927.2 (MANE Select); coding-DNA position 1402, G replaced by A.
Protein change: p.Asp468Asn; replaces aspartic acid 468 with asparagine.
Molecular consequence: missense variant.
Genome position (GRCh38, 1-based): chr6:38,750,584, G>A. VCF-style: chr6-38750584-G-A. GRCh37 (hg19) VCF-style: chr6-38718360-G-A.
Other names: c.751G>A, p.Asp251Asn (NM_001371.4); short protein forms D251N, D468N.
Identifiers: ClinVar variation 2100614 (VCV002100614.4), dbSNP rs1020386285, ClinGen allele CA363985683.
Genomic context (GRCh38, chr6:38,750,584, plus strand): 5'-AAAGATAATGTCAGATATTTGTATACTTTGGAAAAAGTGTGTCAACCTCTCTATAACCAT[G>A]ACCTAGTAAGTATGCTTTTAAAGTACAATTTTAAACTGAGGGCAGTGGCTCGCATCTGTG-3'
Protein context (NP_001193856.1, residues 458-478): EKVCQPLYNH[Asp468Asn]LVSMAHGIQN

ClinVar aggregate classification (germline): Uncertain significance (1 of 4 stars; one submission).

Conditions:
Primary ciliary dyskinesia. Also called: Ciliary dyskinesia. Identifiers: Orphanet 244, MedGen C0008780, MONDO:0016575, HP:0012265.

Submission:

Labcorp Genetics (formerly Invitae), Labcorp
Classification: Uncertain significance for Primary ciliary dyskinesia. Last evaluated: 2022-02-20. Review status: criteria provided, single submitter. Criteria: Invitae Variant Classification Sherloc (09022015). Collection method: clinical testing. Allele origin: germline.
Comment: This sequence change replaces aspartic acid, which is acidic and polar, with asparagine, which is neutral and polar, at codon 468 of the DNAH8 protein (p.Asp468Asn). In summary, the available evidence is currently insufficient to determine the role of this variant in disease. Therefore, it has been classified as a Variant of Uncertain Significance. Algorithms developed to predict the effect of missense changes on protein structure and function are either unavailable or do not agree on the potential impact of this missense change (SIFT: "Deleterious"; PolyPhen-2: "Not Available"; Align-GVGD: "Class C0"). This variant has not been reported in the literature in individuals affected with DNAH8-related conditions. This variant is not present in population databases (gnomAD no frequency).